The following is an entry in ClinVar:

NM_001134407.3(GRIN2A):c.2467A>G (p.Met823Val)

Gene: GRIN2A (glutamate ionotropic receptor NMDA type subunit 2A; minus strand). Cytogenetic location: 16p13.2.
Variant type: single nucleotide variant.
Coding change: c.2467A>G on transcript NM_001134407.3 (MANE Select); coding-DNA position 2467, A replaced by G.
Protein change: p.Met823Val; replaces methionine 823 with valine.
Molecular consequence: missense variant.
Genome position (GRCh38, 1-based): chr16:9,768,979, T>C on the plus strand (A>G on the coding strand, the complement: GRIN2A is on the minus strand). VCF-style: chr16-9768979-T-C. GRCh37 (hg19) VCF-style: chr16-9862836-T-C.
Other names: c.2467A>G, p.Met823Val (NM_000833.5, NM_001134408.2); short protein forms M823V.
Identifiers: ClinVar variation 1791700 (VCV001791700.2), dbSNP rs2505980288, ClinGen allele CA394710073.

ClinVar aggregate classification (germline): Uncertain significance (1 of 4 stars; one submission).

Conditions:
Inborn genetic diseases. Identifiers: MedGen C0950123, MeSH D030342.

Submission:

Ambry Genetics
Classification: Uncertain significance for Inborn genetic diseases. Last evaluated: 2018-04-24. Review status: criteria provided, single submitter. Criteria: Ambry Variant Classification Scheme 2023. Collection method: clinical testing. Allele origin: germline.
Comment: The p.M823V variant (also known as c.2467A>G), located in coding exon 11 of the GRIN2A gene, results from an A to G substitution at nucleotide position 2467. The methionine at codon 823 is replaced by valine, an amino acid with highly similar properties. This amino acid position is highly conserved in available vertebrate species. In addition, the in silico prediction for this alteration is inconclusive. Since supporting evidence is limited at this time, the clinical significance of this alteration remains unclear.